The following is an entry in ClinVar:

ClinVar aggregate classification (germline): Likely benign. Review status: criteria provided, multiple submitters, no conflicts (2 of 4 stars). 2 submissions from 2 submitters: Likely benign (2). Last evaluated 2026-03-20.

Conditions:
MAGI2-related disorder. Also called: MAGI2-related condition.

gnomAD v4.1: 76 of 1,614,118 alleles (0.0047%); highest among the groups gnomAD compares: South Asian, 0.049%; no homozygotes.

Submissions (2):

PreventionGenetics, part of Exact Sciences
Classification: Likely benign for MAGI2-related condition. Last evaluated: 2026-03-20. Review status: criteria provided, single submitter. Criteria: ACMG Guidelines, 2015. Collection method: clinical testing. Allele origin: germline.
Comment: This variant is classified as likely benign based on ACMG/AMP sequence variant interpretation guidelines (Richards et al. 2015 PMID: 25741868, with internal and published modifications).

CeGaT Center for Human Genetics Tuebingen
Classification: Likely benign. Last evaluated: 2025-11-01. Review status: criteria provided, single submitter. Criteria: CeGaT Center For Human Genetics Tuebingen Variant Classification Criteria Version 2. Collection method: clinical testing. Allele origin: germline. Affected: yes. Observed: 1 variant allele.
Comment: MAGI2: BP4, BP7

NM_012301.4(MAGI2):c.2964C>T (p.His988=)

Gene: MAGI2 (membrane associated guanylate kinase, WW and PDZ domain containing 2; minus strand). Cytogenetic location: 7q21.11.
Variant type: single nucleotide variant.
Coding change: c.2964C>T on transcript NM_012301.4 (MANE Select); coding-DNA position 2964, C replaced by T.
Protein change: p.His988=; no amino-acid change (histidine 988 retained).
Molecular consequence: synonymous variant.
Genome position (GRCh38, 1-based): chr7:78,135,088, G>A on the plus strand (C>T on the coding strand, the complement: MAGI2 is on the minus strand). VCF-style: chr7-78135088-G-A. GRCh37 (hg19) VCF-style: chr7-77764405-G-A.
Other names: c.2922C>T, p.His974= (NM_001301128.2); c.2964C>T (NM_012301.3).
Identifiers: ClinVar variation 4533424 (VCV004533424.7).
Genomic context (GRCh38, chr7:78,135,088, plus strand): 5'-AGGAATGATGCGAAGGGTGACACTAAGACCTGCATCCTTGATGAGCTTCACGATGTCAGC[G>A]TGAGGCATGTTGATGATAGACTGGCCATTCACTGCTAGGATCCGGTCTCCCACTTTTAGT-3'
Protein context (NP_036433.2, residues 978-998): VNGQSIINMP[His988=]ADIVKLIKDA